The following is an entry in ClinVar:

ClinVar aggregate classification (germline): Likely benign (0 of 4 stars; one submission).

Conditions:
NPC1-related disorder. Also called: NPC1-related condition.

Submission:

PreventionGenetics, part of Exact Sciences
Classification: Likely benign for NPC1-related condition. Last evaluated: 2023-09-20. Review status: no assertion criteria provided. Collection method: clinical testing. Allele origin: germline.
Comment: This variant is classified as likely benign based on ACMG/AMP sequence variant interpretation guidelines (Richards et al. 2015 PMID: 25741868, with internal and published modifications).

NM_000271.5(NPC1):c.58-3296C>G

Genes: NPC1 (NPC intracellular cholesterol transporter 1; minus strand), LOC126862706 (BRD4-independent group 4 enhancer GRCh37_chr18:21156116-21157315; plus strand). Cytogenetic location: 18q11.2.
Variant type: single nucleotide variant.
Coding change: c.58-3296C>G on transcript NM_000271.5 (MANE Select); 3296 bases into the intron before coding-DNA position 58, C replaced by G.
Molecular consequence: intron variant.
Genome position (GRCh38, 1-based): chr18:23,576,870, G>C on the plus strand (C>G on the coding strand, the complement: NPC1 is on the minus strand). VCF-style: chr18-23576870-G-C. GRCh37 (hg19) VCF-style: chr18-21156834-G-C.
Identifiers: ClinVar variation 3048544 (VCV003048544.2), dbSNP rs966026586, ClinGen allele CA777715759.